The following is an entry in ClinVar:

NM_006348.5(COG5):c.-85_-84delGG

Genes: COG5 (component of oligomeric golgi complex 5; minus strand), DUS4L (dihydrouridine synthase 4 like; plus strand), DUS4L-BCAP29 (DUS4L-BCAP29 readthrough; plus strand). Cytogenetic location: 7q22.3.
Variant type: Deletion.
Coding change: c.-85_-84delGG on transcript NM_006348.5 (MANE Select); 85 bases upstream of the start codon through 84 bases upstream of the start codon, 2 bases deleted (GG).
Molecular consequence: 5 prime UTR variant (on NM_181581.3). On other transcripts: non-coding transcript variant (7), frameshift variant (1).
Genome position (GRCh38, 1-based): chr7:107,563,980-107,563,981, CC deleted on the plus strand (GG on the coding strand, the reverse complement: COG5 is on the minus strand); deleting any 2 consecutive bases within chr7:107,563,980-107,563,982 gives the same sequence; the c. name uses the placement nearest the transcript's 3' end. VCF-style (leftmost placement, unchanged base first): chr7-107563979-ACC-A. GRCh37 (hg19) VCF-style: chr7-107204424-ACC-A.
Other names: c.9_10del (NM_006348.3); c.-189_-188del (NM_001270419.2); c.-339_-338del (NM_181581.3, NM_001371364.2, NM_001371366.2); c.-377_-376del (NM_001371365.2); c.-250_-249del (NM_001371367.2).
Identifiers: ClinVar variation 817906 (VCV000817906.15), dbSNP rs1049832940, ClinGen allele CA164174742.
Genomic context (GRCh38, chr7:107,563,979, plus strand): 5'-TCGTCAGCAGCAGAACGGCTCCGCCCAGGTGGTGACGCAGAATCCCGGCGCCGCCCGCCC[ACC>A]CAGCCCATGGCTCCAGGCCCACCTGGCGAACTGACTCTCAGCCCGCGCCTGGGCTAAGCC-3'

ClinVar aggregate classification (germline): Conflicting classifications of pathogenicity. Review status: criteria provided, conflicting classifications (1 of 4 stars). 3 submissions from 3 submitters: Pathogenic (1); Likely pathogenic (1); Uncertain significance (1). Last evaluated 2026-01-05.

Conditions:
COG5-congenital disorder of glycosylation. Also called: COG5-CDG; CDG IIi; CONGENITAL DISORDER OF GLYCOSYLATION, TYPE IIi. Identifiers: Orphanet 263487, MedGen C3150876, MONDO:0013325, OMIM 613612.

Submissions (3):

Labcorp Genetics (formerly Invitae), Labcorp
Classification: Pathogenic for COG5-congenital disorder of glycosylation. Last evaluated: 2026-01-05. Review status: criteria provided, single submitter. Criteria: Invitae Variant Classification Sherloc (09022015). Collection method: clinical testing. Allele origin: germline.
Comment: This sequence change creates a premature translational stop signal (p.Trp3Cysfs*20) in the COG5 gene. It is expected to result in an absent or disrupted protein product. Loss-of-function variants in COG5 are known to be pathogenic (PMID: 23228021). This variant is not present in population databases (gnomAD no frequency). This variant has not been reported in the literature in individuals affected with COG5-related conditions. ClinVar contains an entry for this variant (Variation ID: 817906). For these reasons, this variant has been classified as Pathogenic.

Women's Health and Genetics/Laboratory Corporation of America, LabCorp
Classification: Uncertain significance. Last evaluated: 2024-10-31. Review status: criteria provided, single submitter. Criteria: LabCorp Variant Classification Summary - May 2015. Collection method: clinical testing. Allele origin: germline.
Comment: Variant summary: COG5 c.-85_-84delGG is located in the untranscribed region upstream of the COG5 gene region. The frequency data for this variant in gnomAD is considered unreliable, as metrics indicate poor data quality at this position. To our knowledge, no occurrence of c.-85_-84delGG in individuals affected with Congenital Disorder Of Glycosylation, Type 2i and no experimental evidence demonstrating its impact on protein function have been reported. ClinVar contains an entry for this variant (Variation ID: 817906). Based on the evidence outlined above, the variant was classified as uncertain significance.

GeneDx
Classification: Likely pathogenic. Last evaluated: 2024-03-17. Review status: criteria provided, single submitter. Criteria: GeneDx Variant Classification Process June 2021. Collection method: clinical testing. Allele origin: germline. Affected: yes.
Comment: Frameshift variant predicted to result in protein truncation or nonsense mediated decay in a gene for which loss of function is a known mechanism of disease; Has not been previously published as pathogenic or benign to our knowledge; Not observed at significant frequency in large population cohorts (gnomAD)

Literature cited by the submitters: PubMed 23228021 (cited by Labcorp Genetics (formerly Invitae), Labcorp).